The following is an entry in ClinVar:

ClinVar aggregate classification (germline): Likely pathogenic (1 of 4 stars; one submission).

Conditions:
Usher syndrome type 1 (USH1). Also called: RETINITIS PIGMENTOSA AND CONGENITAL DEAFNESS. Identifiers: Orphanet 231169, Orphanet 886, MedGen C1568247, MONDO:0010168, OMIM 276900.

Submission:

Myriad Genetics, Inc.
Classification: Likely pathogenic for Usher syndrome type 1. Last evaluated: 2022-03-17. Review status: criteria provided, single submitter. Criteria: Myriad Women's Health Autosomal Recessive and X-Linked Classification Criteria (2021). Collection method: clinical testing. Allele origin: unknown.
Comment: NM_000260.3(MYO7A):c.5275A>T(K1759*) is expected to be pathogenic in the context of MYO7A-related disorders. This variant is predicted to lead to an abnormal or absent protein product due to the creation of a premature termination codon in MYO7A, a gene where loss-of-function variants are known to be pathogenic. Please note: this variant was assessed in the context of healthy population screening.

NM_000260.4(MYO7A):c.5275A>T (p.Lys1759Ter)

Gene: MYO7A (myosin VIIA; plus strand). Cytogenetic location: 11q13.5.
Variant type: single nucleotide variant.
Coding change: c.5275A>T on transcript NM_000260.4 (MANE Select); coding-DNA position 5275, A replaced by T.
Protein change: p.Lys1759Ter; replaces lysine 1759 with a stop codon.
Molecular consequence: nonsense.
Genome position (GRCh38, 1-based): chr11:77,203,166, A>T. VCF-style: chr11-77203166-A-T. GRCh37 (hg19) VCF-style: chr11-76914211-A-T.
Other names: c.5161A>T, p.Lys1721Ter (NM_001127180.2); c.5128A>T, p.Lys1710Ter (NM_001369365.1); short protein forms K1710*, K1721*, K1759*.
Identifiers: ClinVar variation 1725331 (VCV001725331.2), dbSNP rs1957190327, ClinGen allele CA381952343.